The following is an entry in ClinVar:

ClinVar aggregate classification (germline): Uncertain significance (1 of 4 stars; one submission).

Submission:

GeneDx
Classification: Uncertain significance. Last evaluated: 2024-08-19. Review status: criteria provided, single submitter. Criteria: GeneDx Variant Classification Process June 2021. Collection method: clinical testing. Allele origin: germline. Affected: yes.
Comment: In silico analysis is inconclusive as to whether the variant alters gene splicing. In the absence of RNA/functional studies, the actual effect of this sequence change is unknown.; No data available from control populations to assess the frequency of this variant; Has not been previously published as pathogenic or benign to our knowledge

NC_000002.12:g.148021687A>C

Genes: MBD5 (methyl-CpG binding domain protein 5; plus strand), ORC4 (origin recognition complex subunit 4; minus strand). Cytogenetic location: 2q23.1.
Variant type: single nucleotide variant.
Molecular consequence: intron variant (on NM_001378120.1).
Genome position: GRCh38 VCF-style: chr2-148021687-A-C. GRCh37 (hg19) VCF-style: chr2-148779256-A-C.
Other names: c.-925+3A>C (NM_018328.5, NM_001378120.1).
Identifiers: ClinVar variation 3764294 (VCV003764294.1).
Genomic context (GRCh38, chr2:148,021,687, plus strand): 5'-CCTTTGTGTCATCCTCCACAGCTCCAGGGAAGGCACTCAAAAGTGGGGGGCAGGAAAGGT[A>C]AGTGTGTCTGTGGGGGCTTCATTGCCTTCCTCTGGCTCTGACTTTCACTCCGGGGCAACA-3'